The following is an entry in ClinVar:

NM_002470.4(MYH3):c.2925+5T>A

Gene: MYH3 (myosin heavy chain 3; minus strand). Cytogenetic location: 17p13.1.
Variant type: single nucleotide variant.
Coding change: c.2925+5T>A on transcript NM_002470.4 (MANE Select); 5 bases into the intron after coding-DNA position 2925, T replaced by A.
Molecular consequence: intron variant.
Genome position (GRCh38, 1-based): chr17:10,639,555, A>T on the plus strand (T>A on the coding strand, the complement: MYH3 is on the minus strand). VCF-style: chr17-10639555-A-T. GRCh37 (hg19) VCF-style: chr17-10542872-A-T.
Identifiers: ClinVar variation 3013318 (VCV003013318.4), dbSNP rs563591410, ClinGen allele CA287784628.

ClinVar aggregate classification (germline): Conflicting classifications of pathogenicity. Review status: criteria provided, conflicting classifications (1 of 4 stars). 2 submissions from 2 submitters: Uncertain significance (1); Likely benign (1). Last evaluated 2025-04-12.

Allele frequency attached by ClinVar (database versions not stated): gnomAD exomes 0.00003; TOPMed 0.00003; gnomAD 0.00005.
gnomAD v4.1: 51 of 1,614,014 alleles (0.0032%); highest among the groups gnomAD compares: Non-Finnish European, 0.0042%; no homozygotes.

Submissions (2):

Labcorp Genetics (formerly Invitae), Labcorp
Classification: Uncertain significance. Last evaluated: 2025-04-12. Review status: criteria provided, single submitter. Criteria: Invitae Variant Classification Sherloc (09022015). Collection method: clinical testing. Allele origin: germline.
Comment: This sequence change falls in intron 23 of the MYH3 gene. It does not directly change the encoded amino acid sequence of the MYH3 protein. It affects a nucleotide within the consensus splice site. This variant is present in population databases (rs563591410, gnomAD 0.005%). This variant has not been reported in the literature in individuals affected with MYH3-related conditions. ClinVar contains an entry for this variant (Variation ID: 3013318). Variants that disrupt the consensus splice site are a relatively common cause of aberrant splicing (PMID: 17576681, 9536098). Algorithms developed to predict the effect of sequence changes on RNA splicing suggest that this variant is not likely to affect RNA splicing. In summary, the available evidence is currently insufficient to determine the role of this variant in disease. Therefore, it has been classified as a Variant of Uncertain Significance.

Blueprint Genetics
Classification: Likely benign. Last evaluated: 2024-01-10. Review status: criteria provided, single submitter. Criteria: ACMG Guidelines, 2015. Collection method: clinical testing. Allele origin: germline.

Literature cited by the submitters: PubMed 17576681 (cited by Labcorp Genetics (formerly Invitae), Labcorp); PubMed 9536098 (cited by Labcorp Genetics (formerly Invitae), Labcorp).